The following is an entry in ClinVar:

NM_001127222.2(CACNA1A):c.6098A>G (p.Gln2033Arg)

Gene: CACNA1A (calcium voltage-gated channel subunit alpha1 A; minus strand). Cytogenetic location: 19p13.13.
Variant type: single nucleotide variant.
Coding change: c.6098A>G on transcript NM_001127222.2 (MANE Select); coding-DNA position 6098, A replaced by G.
Protein change: p.Gln2033Arg; replaces glutamine 2033 with arginine.
Molecular consequence: missense variant.
Genome position (GRCh38, 1-based): chr19:13,212,475, T>C on the plus strand (A>G on the coding strand, the complement: CACNA1A is on the minus strand). VCF-style: chr19-13212475-T-C. GRCh37 (hg19) VCF-style: chr19-13323289-T-C.
Other names: c.6116A>G, p.Gln2039Arg (NM_000068.4, NM_023035.3); c.6101A>G, p.Gln2034Arg (NM_001127221.2); c.6107A>G, p.Gln2036Arg (NM_001174080.2); short protein forms Q2033R, Q2034R, Q2036R, Q2039R.
Identifiers: ClinVar variation 3365070 (VCV003365070.1).

ClinVar aggregate classification (germline): Uncertain significance (1 of 4 stars; one submission).

Submission:

GeneDx
Classification: Uncertain significance. Last evaluated: 2023-11-29. Review status: criteria provided, single submitter. Criteria: GeneDx Variant Classification Process June 2021. Collection method: clinical testing. Allele origin: germline. Affected: yes.
Comment: Not observed at significant frequency in large population cohorts (gnomAD); In silico analysis supports that this missense variant has a deleterious effect on protein structure/function; Has not been previously published as pathogenic or benign to our knowledge